The following is an entry in ClinVar:

NM_000428.3(LTBP2):c.1096C>T (p.Arg366Cys)

Gene: LTBP2 (latent transforming growth factor beta binding protein 2; minus strand). Cytogenetic location: 14q24.3.
Variant type: single nucleotide variant.
Coding change: c.1096C>T on transcript NM_000428.3 (MANE Select); coding-DNA position 1096, C replaced by T.
Protein change: p.Arg366Cys; replaces arginine 366 with cysteine.
Molecular consequence: missense variant.
Genome position (GRCh38, 1-based): chr14:74,552,988, G>A on the plus strand (C>T on the coding strand, the complement: LTBP2 is on the minus strand). VCF-style: chr14-74552988-G-A. GRCh37 (hg19) VCF-style: chr14-75019691-G-A.
Other names: c.1096C>T (NM_000428.2); short protein forms R366C.
Identifiers: ClinVar variation 1432356 (VCV001432356.5), dbSNP rs368186583, ClinGen allele CA7269989.

ClinVar aggregate classification (germline): Uncertain significance. Review status: criteria provided, multiple submitters, no conflicts (2 of 4 stars). 2 submissions from 2 submitters: Uncertain significance (2). Last evaluated 2025-08-14.

Allele frequency attached by ClinVar (database versions not stated): ExAC 0.00005; gnomAD 0.00008 and 0.00010; gnomAD exomes 0.00007 and 0.00015; ESP Exome Variant Server 0.00008.
gnomAD v4.1: 233 of 1,614,018 alleles (0.014%); highest among the groups gnomAD compares: Non-Finnish European, 0.018%; no homozygotes.

Submissions (2):

GeneDx
Classification: Uncertain significance. Last evaluated: 2025-08-14. Review status: criteria provided, single submitter. Criteria: GeneDx Variant Classification Process June 2021. Collection method: clinical testing. Allele origin: germline. Affected: yes.
Comment: In silico analysis supports that this missense variant has a deleterious effect on protein structure/function; Has not been previously published as pathogenic or benign to our knowledge

Labcorp Genetics (formerly Invitae), Labcorp
Classification: Uncertain significance. Last evaluated: 2022-09-14. Review status: criteria provided, single submitter. Criteria: Invitae Variant Classification Sherloc (09022015). Collection method: clinical testing. Allele origin: germline.
Comment: This sequence change replaces arginine, which is basic and polar, with cysteine, which is neutral and slightly polar, at codon 366 of the LTBP2 protein (p.Arg366Cys). This variant is present in population databases (rs368186583, gnomAD 0.01%). This variant has not been reported in the literature in individuals affected with LTBP2-related conditions. ClinVar contains an entry for this variant (Variation ID: 1432356). Algorithms developed to predict the effect of missense changes on protein structure and function are either unavailable or do not agree on the potential impact of this missense change (SIFT: "Deleterious"; PolyPhen-2: "Benign"; Align-GVGD: "Class C0"). In summary, the available evidence is currently insufficient to determine the role of this variant in disease. Therefore, it has been classified as a Variant of Uncertain Significance.